The following is an entry in ClinVar:

NM_003470.3(USP7):c.133_138del (p.Asn45_Val46del)

Gene: USP7 (ubiquitin specific peptidase 7; minus strand). Cytogenetic location: 16p13.2.
Variant type: Deletion.
Coding change: c.133_138del on transcript NM_003470.3 (MANE Select); coding-DNA positions 133 to 138, 6 bases deleted (AATGTG; older notation c.133_138delAATGTG).
Protein change: p.Asn45_Val46del.
Molecular consequence: inframe deletion. On other transcripts: 5 prime UTR variant (2), non-coding transcript variant (1).
Genome position (GRCh38, 1-based): chr16:8,930,339-8,930,344, CACATT deleted on the plus strand (AATGTG on the coding strand, the reverse complement: USP7 is on the minus strand); deleting any 6 consecutive bases within chr16:8,930,339-8,930,345 gives the same sequence; the c. name uses the placement nearest the transcript's 3' end. VCF-style (leftmost placement, unchanged base first): chr16-8930338-CCACATT-C. GRCh37 (hg19) VCF-style: chr16-9024195-CCACATT-C.
Other names: c.133_138del6 (NM_003470.2); c.85_90del, p.Asn29_Val30del (NM_001286457.2); c.-340_-335del (NM_001286458.2); c.-42_-37del (NM_001321858.2).
Identifiers: ClinVar variation 2062851 (VCV002062851.6), dbSNP rs1411891916, ClinGen allele CA620766171.

ClinVar aggregate classification (germline): Uncertain significance. Review status: criteria provided, multiple submitters, no conflicts (2 of 4 stars). 2 submissions from 2 submitters: Uncertain significance (2). Last evaluated 2025-03-07.

Conditions:
USP7-related disorder. Also called: USP7-related condition.

Submissions (2):

PreventionGenetics, part of Exact Sciences
Classification: Uncertain significance for USP7-related condition. Last evaluated: 2025-03-07. Review status: criteria provided, single submitter. Criteria: ACMG Guidelines, 2015. Collection method: clinical testing. Allele origin: germline.
Comment: The USP7 c.133_138del6 variant is predicted to result in an in-frame deletion (p.Asn45_Val46del). To our knowledge, this variant has not been reported in the literature or in a large population database (gnomAD), indicating this variant is rare. At this time, the clinical significance of this variant is uncertain due to the absence of conclusive functional and genetic evidence.

Labcorp Genetics (formerly Invitae), Labcorp
Classification: Uncertain significance. Last evaluated: 2021-12-27. Review status: criteria provided, single submitter. Criteria: Invitae Variant Classification Sherloc (09022015). Collection method: clinical testing. Allele origin: germline.
Comment: This variant is not present in population databases (gnomAD no frequency). This variant, c.133_138del, results in the deletion of 2 amino acid(s) of the USP7 protein (p.Asn45_Val46del), but otherwise preserves the integrity of the reading frame. This variant has not been reported in the literature in individuals affected with USP7-related conditions. Experimental studies and prediction algorithms are not available or were not evaluated, and the functional significance of this variant is currently unknown. In summary, the available evidence is currently insufficient to determine the role of this variant in disease. Therefore, it has been classified as a Variant of Uncertain Significance.